The following is an entry in ClinVar:

NM_001378454.1(ALMS1):c.11263T>A (p.Ser3755Thr)

Gene: ALMS1 (ALMS1 centrosome and basal body associated protein; plus strand). Cytogenetic location: 2p13.1.
Variant type: single nucleotide variant.
Coding change: c.11263T>A on transcript NM_001378454.1 (MANE Select); coding-DNA position 11263, T replaced by A.
Protein change: p.Ser3755Thr; replaces serine 3755 with threonine.
Molecular consequence: missense variant.
Genome position (GRCh38, 1-based): chr2:73,573,140, T>A. VCF-style: chr2-73573140-T-A. GRCh37 (hg19) VCF-style: chr2-73800267-T-A.
Other names: c.11266T>A, p.Ser3756Thr (NM_015120.4); short protein forms S3756T, S3755T.
Identifiers: ClinVar variation 240976 (VCV000240976.5), dbSNP rs878854995, ClinGen allele CA10582105.

ClinVar aggregate classification (germline): Uncertain significance. Review status: criteria provided, single submitter (1 of 4 stars). 2 submissions from 2 submitters: Uncertain significance (1). 1 of the submissions does not count toward it. Last evaluated 2021-11-01.

Conditions:
Alstrom syndrome (ALMS). Identifiers: Orphanet 64, MedGen C0268425, MONDO:0008763, OMIM 203800.

Allele frequency attached by ClinVar (database versions not stated): gnomAD exomes below 0.00001.
gnomAD v4.1: 4 of 1,613,940 alleles (0.00025%); highest among the groups gnomAD compares: Non-Finnish European, 0.00034%; no homozygotes.

Submissions (2):

Labcorp Genetics (formerly Invitae), Labcorp
Classification: Uncertain significance for Alstrom syndrome. Last evaluated: 2021-11-01. Review status: criteria provided, single submitter. Criteria: Invitae Variant Classification Sherloc (09022015). Collection method: clinical testing. Allele origin: germline.
Comment: This sequence change replaces serine, which is neutral and polar, with threonine, which is neutral and polar, at codon 3756 of the ALMS1 protein (p.Ser3756Thr). This variant is not present in population databases (gnomAD no frequency). This variant has not been reported in the literature in individuals affected with ALMS1-related conditions. ClinVar contains an entry for this variant (Variation ID: 240976). In summary, the available evidence is currently insufficient to determine the role of this variant in disease. Therefore, it has been classified as a Variant of Uncertain Significance.

Counsyl
Classification: Uncertain significance for Alstrom syndrome. Last evaluated: 2018-02-26. Review status: no assertion criteria provided. Collection method: clinical testing. Allele origin: unknown. Not counted in ClinVar's aggregate classification.